The following is an entry in ClinVar:

ClinVar aggregate classification (germline): Uncertain significance (1 of 4 stars; one submission).

Submission:

Labcorp Genetics (formerly Invitae), Labcorp
Classification: Uncertain significance. Last evaluated: 2022-02-24. Review status: criteria provided, single submitter. Criteria: Invitae Variant Classification Sherloc (09022015). Collection method: clinical testing. Allele origin: germline.
Comment: This variant is not present in population databases (gnomAD no frequency). This sequence change replaces alanine, which is neutral and non-polar, with proline, which is neutral and non-polar, at codon 78 of the POC1B protein (p.Ala78Pro). This variant has not been reported in the literature in individuals affected with POC1B-related conditions. In summary, the available evidence is currently insufficient to determine the role of this variant in disease. Therefore, it has been classified as a Variant of Uncertain Significance. Algorithms developed to predict the effect of missense changes on protein structure and function are either unavailable or do not agree on the potential impact of this missense change (SIFT: "Deleterious"; PolyPhen-2: "Probably Damaging"; Align-GVGD: "Class C0").

NM_172240.3(POC1B):c.232G>C (p.Ala78Pro)

Genes: POC1B (POC1 centriolar protein B; minus strand), POC1B-DUSP6 (POC1B-DUSP6 readthrough; minus strand). Cytogenetic location: 12q21.33.
Variant type: single nucleotide variant.
Coding change: c.232G>C on transcript NM_172240.3 (MANE Select); coding-DNA position 232, G replaced by C.
Protein change: p.Ala78Pro; replaces alanine 78 with proline.
Molecular consequence: missense variant.
Genome position (GRCh38, 1-based): chr12:89,497,211, C>G on the plus strand (G>C on the coding strand, the complement: POC1B is on the minus strand). VCF-style: chr12-89497211-C-G. GRCh37 (hg19) VCF-style: chr12-89890988-C-G.
Other names: c.106G>C, p.Ala36Pro (NM_001199777.2); short protein forms A36P, A78P.
Identifiers: ClinVar variation 1362111 (VCV001362111.6), dbSNP rs201096824, ClinGen allele CA385993512.